The following is an entry in ClinVar:

ClinVar aggregate classification (germline): Uncertain significance. Review status: criteria provided, multiple submitters, no conflicts (2 of 4 stars). 3 submissions from 3 submitters: Uncertain significance (3). Last evaluated 2025-06-27.

Conditions:
Inborn genetic diseases. Identifiers: MedGen C0950123, MeSH D030342.
Autosomal recessive limb-girdle muscular dystrophy type 2D (LGMDR3). Also called: ADHALINOPATHY, PRIMARY; MUSCULAR DYSTROPHY, LIMB-GIRDLE, AUTOSOMAL RECESSIVE 3; DUCHENNE-LIKE AUTOSOMAL RECESSIVE MUSCULAR DYSTROPHY, TYPE 2. Identifiers: Orphanet 62, MedGen C2936332, MONDO:0011968, OMIM 608099. Disease mechanism: Affects gamma-sarcoglycan and also disrupts the integrity of the entire sarcoglycan complex..

Allele frequency attached by ClinVar (database versions not stated): TOPMed 0.00001; gnomAD exomes 0.00002 and 0.00005; gnomAD 0.00004; ExAC 0.00011; 1000 Genomes Project 0.00020; 1000 Genomes Project 30x 0.00031.

Submissions (3):

Ambry Genetics
Classification: Uncertain significance for Inborn genetic diseases. Last evaluated: 2025-06-27. Review status: criteria provided, single submitter. Criteria: Ambry Variant Classification Scheme 2023. Collection method: clinical testing. Allele origin: germline.

Labcorp Genetics (formerly Invitae), Labcorp
Classification: Uncertain significance for Autosomal recessive limb-girdle muscular dystrophy type 2D. Last evaluated: 2025-03-13. Review status: criteria provided, single submitter. Criteria: Invitae Variant Classification Sherloc (09022015). Collection method: clinical testing. Allele origin: germline.
Comment: This sequence change replaces arginine, which is basic and polar, with cysteine, which is neutral and slightly polar, at codon 156 of the SGCA protein (p.Arg156Cys). This variant is present in population databases (rs538696245, gnomAD 0.03%). This variant has not been reported in the literature in individuals affected with SGCA-related conditions. ClinVar contains an entry for this variant (Variation ID: 1209837). Invitae Evidence Modeling of protein sequence and biophysical properties (such as structural, functional, and spatial information, amino acid conservation, physicochemical variation, residue mobility, and thermodynamic stability) indicates that this missense variant is expected to disrupt SGCA protein function with a positive predictive value of 95%. In summary, the available evidence is currently insufficient to determine the role of this variant in disease. Therefore, it has been classified as a Variant of Uncertain Significance.

Genome-Nilou Lab
Classification: Uncertain significance for Autosomal recessive limb-girdle muscular dystrophy type 2D. Last evaluated: 2021-07-22. Review status: criteria provided, single submitter. Criteria: ACMG Guidelines, 2015. Collection method: clinical testing. Allele origin: germline. Affected: no.

NM_000023.4(SGCA):c.466C>T (p.Arg156Cys)

Gene: SGCA (sarcoglycan alpha; plus strand). Cytogenetic location: 17q21.33.
Variant type: single nucleotide variant.
Coding change: c.466C>T on transcript NM_000023.4 (MANE Select); coding-DNA position 466, C replaced by T.
Protein change: p.Arg156Cys; replaces arginine 156 with cysteine.
Molecular consequence: missense variant. On other transcripts: non-coding transcript variant (1).
Genome position (GRCh38, 1-based): chr17:50,168,454, C>T. VCF-style: chr17-50168454-C-T. GRCh37 (hg19) VCF-style: chr17-48245815-C-T.
Other names: c.466C>T, p.Arg156Cys (NM_001135697.3); c.466C>T (NM_000023.2); short protein forms R156C.
Identifiers: ClinVar variation 1209837 (VCV001209837.8), dbSNP rs538696245, ClinGen allele CA8643806.